The following is an entry in ClinVar:

ClinVar aggregate classification (germline): Uncertain significance. Review status: criteria provided, multiple submitters, no conflicts (2 of 4 stars). 2 submissions from 2 submitters: Uncertain significance (2). Last evaluated 2025-02-02.

Conditions:
Inborn genetic diseases. Identifiers: MedGen C0950123, MeSH D030342.

gnomAD v4.1: 2 of 1,614,132 alleles (0.00012%); highest among the groups gnomAD compares: Non-Finnish European, 0.00017%; no homozygotes.

Submissions (2):

Ambry Genetics
Classification: Uncertain significance for Inborn genetic diseases. Last evaluated: 2025-02-02. Review status: criteria provided, single submitter. Criteria: Ambry Variant Classification Scheme 2023. Collection method: clinical testing. Allele origin: germline.
Comment: The p.S1213T variant (also known as c.3637T>A), located in coding exon 17 of the MECOM gene, results from a T to A substitution at nucleotide position 3637. The serine at codon 1213 is replaced by threonine, an amino acid with similar properties. This amino acid position is conserved. In addition, this alteration is predicted to be tolerated by in silico analysis. Based on the available evidence, the clinical significance of this variant remains unclear.

Blueprint Genetics
Classification: Uncertain significance. Last evaluated: 2021-09-06. Review status: criteria provided, single submitter. Criteria: ACMG Guidelines, 2015. Collection method: clinical testing. Allele origin: germline.

NM_004991.4(MECOM):c.3637T>A (p.Ser1213Thr)

Gene: MECOM (MDS1 and EVI1 complex locus; minus strand). Cytogenetic location: 3q26.2.
Variant type: single nucleotide variant.
Coding change: c.3637T>A on transcript NM_004991.4 (MANE Select); coding-DNA position 3637, T replaced by A.
Protein change: p.Ser1213Thr; replaces serine 1213 with threonine.
Molecular consequence: missense variant.
Genome position (GRCh38, 1-based): chr3:169,084,992, A>T on the plus strand (T>A on the coding strand, the complement: MECOM is on the minus strand). VCF-style: chr3-169084992-A-T. GRCh37 (hg19) VCF-style: chr3-168802780-A-T.
Other names: c.3268T>A, p.Ser1090Thr (NM_001105077.4); c.3073T>A, p.Ser1025Thr (NM_001105078.4, NM_001205194.2, NM_001366469.2 and 1 more transcripts); c.3049T>A, p.Ser1017Thr (NM_001163999.2, NM_001366470.2); c.3046T>A, p.Ser1016Thr (NM_001164000.2, NM_001366471.2, NM_001366472.2); c.3610T>A, p.Ser1204Thr (NM_001366466.2); c.3076T>A, p.Ser1026Thr (NM_001366467.2, NM_001366468.2); c.2638T>A, p.Ser880Thr (NM_001366473.2); c.2074T>A, p.Ser692Thr (NM_001366474.2); short protein forms S1090T, S692T, S1025T, S1213T, S880T, S1016T, S1017T, S1026T.
Identifiers: ClinVar variation 3871785 (VCV003871785.2).
Genomic context (GRCh38, chr3:169,084,992, plus strand): 5'-TAGCACTGGATTCCGCCGCAGCCCTGGCCATACTGTGCCACACGTTGGAAGAACTGTGGG[A>T]TGTAGAATGGAGGGACTCCTTGTCAGACAGTGACAGCATCATAGCATATGCCTGGGGTAA-3'
Protein context (NP_004982.2, residues 1203-1223): LSDKESLHST[Ser1213Thr]HSSSNVWHSM